The following is an entry in ClinVar:

ClinVar aggregate classification (germline): Conflicting classifications of pathogenicity. Review status: criteria provided, conflicting classifications (1 of 4 stars). 2 submissions from 2 submitters: Uncertain significance (1); Likely benign (1). Last evaluated 2024-09-29.

Conditions:
Inborn genetic diseases. Identifiers: MedGen C0950123, MeSH D030342.

Allele frequency attached by ClinVar (database versions not stated): ExAC 0.00001.
gnomAD v4.1: 2 of 1,614,212 alleles (0.00012%); highest among the groups gnomAD compares: Admixed American, 0.0033%; no homozygotes.

Submissions (2):

Labcorp Genetics (formerly Invitae), Labcorp
Classification: Uncertain significance. Last evaluated: 2024-09-29. Review status: criteria provided, single submitter. Criteria: Invitae Variant Classification Sherloc (09022015). Collection method: clinical testing. Allele origin: germline.
Comment: This sequence change replaces phenylalanine, which is neutral and non-polar, with leucine, which is neutral and non-polar, at codon 527 of the ASXL1 protein (p.Phe527Leu). This variant is present in population databases (rs777942161, gnomAD 0.006%). This variant has not been reported in the literature in individuals affected with ASXL1-related conditions. ClinVar contains an entry for this variant (Variation ID: 2263948). An algorithm developed to predict the effect of missense changes on protein structure and function (PolyPhen-2) suggests that this variant is likely to be tolerated. In summary, the available evidence is currently insufficient to determine the role of this variant in disease. Therefore, it has been classified as a Variant of Uncertain Significance.

Ambry Genetics
Classification: Likely benign for Inborn genetic diseases. Last evaluated: 2021-12-03. Review status: criteria provided, single submitter. Criteria: Ambry Variant Classification Scheme 2023. Collection method: clinical testing. Allele origin: germline.

NM_015338.6(ASXL1):c.1581T>G (p.Phe527Leu)

Gene: ASXL1 (ASXL transcriptional regulator 1; plus strand). Cytogenetic location: 20q11.21.
Variant type: single nucleotide variant.
Coding change: c.1581T>G on transcript NM_015338.6 (MANE Select); coding-DNA position 1581, T replaced by G.
Protein change: p.Phe527Leu; replaces phenylalanine 527 with leucine.
Molecular consequence: missense variant.
Genome position (GRCh38, 1-based): chr20:32,433,779, T>G. VCF-style: chr20-32433779-T-G. GRCh37 (hg19) VCF-style: chr20-31021582-T-G.
Other names: c.1398T>G, p.Phe466Leu (NM_001363734.1); short protein forms F466L, F527L.
Identifiers: ClinVar variation 2263948 (VCV002263948.4), dbSNP rs777942161, ClinGen allele CA9808385.